The following is an entry in ClinVar:

ClinVar aggregate classification (germline): Uncertain significance. Review status: criteria provided, multiple submitters, no conflicts (2 of 4 stars). 5 submissions from 5 submitters: Uncertain significance (5). Last evaluated 2025-11-02.

Conditions:
Hereditary cancer-predisposing syndrome. Also called: Neoplastic Syndromes, Hereditary; Hereditary Cancer Syndrome; Hereditary neoplastic syndrome; Tumor predisposition. Identifiers: Orphanet 140162, MedGen C0027672, MeSH D009386, MONDO:0015356.
Familial cancer of breast. Also called: BREAST CANCER, FAMILIAL; Hereditary breast cancer; hereditary breast carcinoma. Identifiers: Orphanet 227535, MedGen C0346153, MONDO:0016419, OMIM 114480. Disease mechanism: loss of function.

Allele frequency attached by ClinVar (database versions not stated): gnomAD exomes below 0.00001; TOPMed 0.00001.
gnomAD v4.1: 7 of 1,614,176 alleles (0.00043%); highest among the groups gnomAD compares: Non-Finnish European, 0.00051%; no homozygotes.

Submissions (5):

Labcorp Genetics (formerly Invitae), Labcorp
Classification: Uncertain significance for Familial cancer of breast. Last evaluated: 2025-11-02. Review status: criteria provided, single submitter. Criteria: Invitae Variant Classification Sherloc (09022015). Collection method: clinical testing. Allele origin: germline.
Comment: This sequence change replaces glycine, which is neutral and non-polar, with aspartic acid, which is acidic and polar, at codon 881 of the PALB2 protein (p.Gly881Asp). This variant is present in population databases (rs772499138, gnomAD 0.0009%). This variant has not been reported in the literature in individuals affected with PALB2-related conditions. ClinVar contains an entry for this variant (Variation ID: 460952). Invitae Evidence Modeling of protein sequence and biophysical properties (such as structural, functional, and spatial information, amino acid conservation, physicochemical variation, residue mobility, and thermodynamic stability) indicates that this missense variant is not expected to disrupt PALB2 protein function with a negative predictive value of 80%. In summary, the available evidence is currently insufficient to determine the role of this variant in disease. Therefore, it has been classified as a Variant of Uncertain Significance.

Ambry Genetics
Classification: Uncertain significance for Hereditary cancer-predisposing syndrome. Last evaluated: 2025-03-02. Review status: criteria provided, single submitter. Criteria: Ambry Variant Classification Scheme 2023. Collection method: clinical testing. Allele origin: germline.
Comment: The p.G881D variant (also known as c.2642G>A), located in coding exon 7 of the PALB2 gene, results from a G to A substitution at nucleotide position 2642. The glycine at codon 881 is replaced by aspartic acid, an amino acid with similar properties. This amino acid position is highly conserved in available vertebrate species. In addition, the in silico prediction for this alteration is inconclusive. Since supporting evidence is limited at this time, the clinical significance of this alteration remains unclear.

GeneDx
Classification: Uncertain significance. Last evaluated: 2025-01-10. Review status: criteria provided, single submitter. Criteria: GeneDx Variant Classification Process June 2021. Collection method: clinical testing. Allele origin: germline. Affected: yes.
Comment: Not observed at significant frequency in large population cohorts (gnomAD); In silico analysis supports that this missense variant has a deleterious effect on protein structure/function; Has not been previously published as pathogenic or benign to our knowledge

Color Diagnostics, LLC DBA Color Health
Classification: Uncertain significance for Hereditary cancer-predisposing syndrome. Last evaluated: 2019-11-18. Review status: criteria provided, single submitter. Criteria: ACMG Guidelines, 2015. Collection method: clinical testing. Allele origin: germline.
Comment: This missense variant replaces glycine with aspartic acid at codon 881 of the PALB2 protein. Computational prediction suggests that this variant may not impact protein structure and function (internally defined REVEL score threshold <= 0.5, PMID: 27666373). Splice site prediction tools suggest that this variant may not impact RNA splicing. To our knowledge, functional studies have not been performed for this variant. This variant has not been reported in individuals affected with hereditary cancer in the literature. This variant has been identified in 1/251490 chromosomes in the general population by the Genome Aggregation Database (gnomAD). The available evidence is insufficient to determine the role of this variant in disease conclusively. Therefore, this variant is classified as a Variant of Uncertain Significance.

Women's Health and Genetics/Laboratory Corporation of America, LabCorp
Classification: Uncertain significance. Last evaluated: 2015-12-23. Review status: criteria provided, single submitter. Criteria: LabCorp Variant Classification Summary - May 2015. Collection method: clinical testing. Allele origin: germline.

NM_024675.4(PALB2):c.2642G>A (p.Gly881Asp)

Gene: PALB2 (partner and localizer of BRCA2; minus strand). Cytogenetic location: 16p12.2.
Variant type: single nucleotide variant.
Coding change: c.2642G>A on transcript NM_024675.4 (MANE Select); coding-DNA position 2642, G replaced by A.
Protein change: p.Gly881Asp; replaces glycine 881 with aspartic acid.
Molecular consequence: missense variant.
Genome position (GRCh38, 1-based): chr16:23,626,342, C>T on the plus strand (G>A on the coding strand, the complement: PALB2 is on the minus strand). VCF-style: chr16-23626342-C-T. GRCh37 (hg19) VCF-style: chr16-23637663-C-T.
Other names: short protein forms G881D.
Identifiers: ClinVar variation 460952 (VCV000460952.19), dbSNP rs772499138, ClinGen allele CA279489096.